The following is an entry in ClinVar:

ClinVar aggregate classification (germline): Pathogenic (1 of 4 stars; one submission).

Conditions:
Nemaline myopathy 8 (NEM8). Also called: Nemaline myopathy 8, autosomal recessive. Identifiers: Orphanet 171430, MedGen C3809209, MONDO:0014138, OMIM 615348.

Submission:

Labcorp Genetics (formerly Invitae), Labcorp
Classification: Pathogenic for Nemaline myopathy 8. Last evaluated: 2020-03-29. Review status: criteria provided, single submitter. Criteria: Invitae Variant Classification Sherloc (09022015). Collection method: clinical testing. Allele origin: germline.
Comment: For these reasons, this variant has been classified as Pathogenic. Loss-of-function variants in KLHL40 are known to be pathogenic (PMID: 23746549). This variant has not been reported in the literature in individuals with KLHL40-related conditions. ClinVar contains an entry for this variant (Variation ID: 658674). The frequency data for this variant in the population databases is considered unreliable, as metrics indicate poor data quality at this position in the ExAC database. This sequence change creates a premature translational stop signal (p.Ala211Leufs*47) in the KLHL40 gene. It is expected to result in an absent or disrupted protein product.

Literature cited by the submitters: PubMed 23746549.

NM_152393.4(KLHL40):c.631del (p.Ala211fs)

Gene: KLHL40 (kelch like family member 40; plus strand). Cytogenetic location: 3p22.1.
Variant type: Deletion.
Coding change: c.631del on transcript NM_152393.4 (MANE Select); coding-DNA position 631, one base deleted (G; older notation c.631delG).
Protein change: p.Ala211fs; shifts the reading frame from alanine 211.
Molecular consequence: frameshift variant.
Genome position (GRCh38, 1-based): chr3:42,686,249, G deleted; the last of 2 consecutive G bases (chr3:42,686,248-42,686,249); deleting either gives the same sequence. VCF-style (leftmost placement, unchanged base first): chr3-42686247-AG-A. GRCh37 (hg19) VCF-style: chr3-42727739-AG-A.
Other names: short protein forms A211fs.
Identifiers: ClinVar variation 658674 (VCV000658674.5), dbSNP rs752734208, ClinGen allele CA2336702.